The following is an entry in ClinVar:

ClinVar aggregate classification (germline): Uncertain significance (1 of 4 stars; one submission).

Conditions:
Fanconi anemia (FA). Also called: Fanconi's anemia. Identifiers: Orphanet 84, MedGen C0015625, MeSH D005199, MONDO:0019391.

Allele frequency attached by ClinVar (database versions not stated): TOPMed below 0.00001; gnomAD 0.00001.
gnomAD v4.1: 1 of 1,614,016 alleles (0.000062%); highest among the groups gnomAD compares: Non-Finnish European, 0.000085%; no homozygotes.

Submission:

Labcorp Genetics (formerly Invitae), Labcorp
Classification: Uncertain significance for Fanconi anemia. Last evaluated: 2022-02-05. Review status: criteria provided, single submitter. Criteria: Invitae Variant Classification Sherloc (09022015). Collection method: clinical testing. Allele origin: germline.
Comment: In summary, the available evidence is currently insufficient to determine the role of this variant in disease. Therefore, it has been classified as a Variant of Uncertain Significance. Algorithms developed to predict the effect of missense changes on protein structure and function are either unavailable or do not agree on the potential impact of this missense change (SIFT: "Deleterious"; PolyPhen-2: "Possibly Damaging"; Align-GVGD: "Class C0"). This variant has not been reported in the literature in individuals affected with FANCI-related conditions. This variant is not present in population databases (gnomAD no frequency). This sequence change replaces proline, which is neutral and non-polar, with serine, which is neutral and polar, at codon 1154 of the FANCI protein (p.Pro1154Ser).

NM_001113378.2(FANCI):c.3460C>T (p.Pro1154Ser)

Gene: FANCI (FA complementation group I; plus strand). Cytogenetic location: 15q26.1.
Variant type: single nucleotide variant.
Coding change: c.3460C>T on transcript NM_001113378.2 (MANE Select); coding-DNA position 3460, C replaced by T.
Protein change: p.Pro1154Ser; replaces proline 1154 with serine.
Molecular consequence: missense variant.
Genome position (GRCh38, 1-based): chr15:89,306,117, C>T. VCF-style: chr15-89306117-C-T. GRCh37 (hg19) VCF-style: chr15-89849348-C-T.
Other names: c.3181C>T, p.Pro1061Ser (NM_001376910.1); c.3460C>T, p.Pro1154Ser (NM_001376911.1); c.3280C>T, p.Pro1094Ser (NM_018193.3); short protein forms P1061S, P1154S, P1094S.
Identifiers: ClinVar variation 1963867 (VCV001963867.5), dbSNP rs2054708053, ClinGen allele CA393740569.